The following is an entry in ClinVar:

NM_025179.4(PLXNA2):c.3603C>T (p.Cys1201=)

Gene: PLXNA2 (plexin A2; minus strand). Cytogenetic location: 1q32.2.
Variant type: single nucleotide variant.
Coding change: c.3603C>T on transcript NM_025179.4 (MANE Select); coding-DNA position 3603, C replaced by T.
Protein change: p.Cys1201=; no amino-acid change (cysteine 1201 retained).
Molecular consequence: synonymous variant.
Genome position (GRCh38, 1-based): chr1:208,045,103, G>A on the plus strand (C>T on the coding strand, the complement: PLXNA2 is on the minus strand). VCF-style: chr1-208045103-G-A. GRCh37 (hg19) VCF-style: chr1-208218448-G-A.
Identifiers: ClinVar variation 3351610 (VCV003351610.1).

ClinVar aggregate classification (germline): Likely benign (0 of 4 stars; one submission).

Conditions:
PLXNA2-related disorder. Also called: PLXNA2-related condition.

gnomAD v4.1: 23 of 1,613,996 alleles (0.0014%); highest among the groups gnomAD compares: Admixed American, 0.0033%; no homozygotes.

Submission:

PreventionGenetics, part of Exact Sciences
Classification: Likely benign for PLXNA2-related condition. Last evaluated: 2023-09-18. Review status: no assertion criteria provided. Collection method: clinical testing. Allele origin: germline.
Comment: This variant is classified as likely benign based on ACMG/AMP sequence variant interpretation guidelines (Richards et al. 2015 PMID: 25741868, with internal and published modifications).